The following is an entry in ClinVar:

ClinVar aggregate classification (germline): Uncertain significance (1 of 4 stars; one submission).

Conditions:
3-methylglutaconic aciduria type 5. Also called: CARDIOMYOPATHY, DILATED, WITH ATAXIA; 3 alpha methylglutaconic aciduria type V; MGA 5; MGA, TYPE V. Identifiers: Orphanet 66634, MedGen C1857776, MONDO:0012435, OMIM 610198.

gnomAD v4.1: 16 of 1,612,618 alleles (0.00099%); highest among the groups gnomAD compares: Non-Finnish European, 0.0014%; no homozygotes.

Submission:

Labcorp Genetics (formerly Invitae), Labcorp
Classification: Uncertain significance for 3-methylglutaconic aciduria type 5. Last evaluated: 2025-12-22. Review status: criteria provided, single submitter. Criteria: Invitae Variant Classification Sherloc (09022015). Collection method: clinical testing. Allele origin: germline.
Comment: This sequence change falls in intron 5 of the DNAJC19 gene. It does not directly change the encoded amino acid sequence of the DNAJC19 protein. It affects a nucleotide within the consensus splice site. This variant is present in population databases (no rsID available, gnomAD 0.002%). This variant has not been reported in the literature in individuals affected with DNAJC19-related conditions. Variants that disrupt the consensus splice site are a relatively common cause of aberrant splicing (PMID: 17576681, 9536098). Algorithms developed to predict the effect of sequence changes on RNA splicing suggest that this variant is not likely to affect RNA splicing. In summary, the available evidence is currently insufficient to determine the role of this variant in disease. Therefore, it has been classified as a Variant of Uncertain Significance.

Literature cited by the submitters: PubMed 17576681; PubMed 9536098.

NM_145261.4(DNAJC19):c.280+3A>G

Gene: DNAJC19 (DnaJ heat shock protein family (Hsp40) member C19; minus strand). Cytogenetic location: 3q26.33.
Variant type: single nucleotide variant.
Coding change: c.280+3A>G on transcript NM_145261.4 (MANE Select); 3 bases into the intron after coding-DNA position 280, A replaced by G.
Molecular consequence: intron variant.
Genome position (GRCh38, 1-based): chr3:180,985,923, T>C on the plus strand (A>G on the coding strand, the complement: DNAJC19 is on the minus strand). VCF-style: chr3-180985923-T-C. GRCh37 (hg19) VCF-style: chr3-180703711-T-C.
Other names: c.205+3A>G (NM_001190233.2).
Identifiers: ClinVar variation 4741356 (VCV004741356.1).